The following is an entry in ClinVar:

ClinVar aggregate classification (germline): Likely benign. Review status: criteria provided, single submitter (1 of 4 stars). 2 submissions from 2 submitters: Likely benign (1). 1 of the submissions does not count toward it. Last evaluated 2023-08-29.

Conditions:
Familial cancer of breast. Also called: BREAST CANCER, FAMILIAL; Hereditary breast cancer; hereditary breast carcinoma. Identifiers: Orphanet 227535, MedGen C0346153, MONDO:0016419, OMIM 114480. Disease mechanism: loss of function.

Submissions (2):

Ophthalmic Genetics Group, Institute of Molecular and Clinical Ophthalmology Basel
Classification: Likely benign for Familial cancer of breast. Last evaluated: 2023-08-29. Review status: criteria provided, single submitter. Criteria: ACMG Guidelines, 2015. Collection method: curation. Allele origin: unknown.
Comment: Clinical significance based on ACMG v2.0

This variant was classified as Likely benign based on ACMG criteria: BS1 and BP7.

Department of Zoology Govt. MVM College
Classification: Likely pathogenic for Familial cancer of breast. Review status: no assertion criteria provided. Collection method: not provided. Allele origin: unknown. Not counted in ClinVar's aggregate classification.
Comment: KM276967
ClinVar note: Converted during submission from probable-pathogenic to Likely pathogenic.

NC_012920.1(MT-CYB):m.15346G>A

Gene: MT-CYB (mitochondrially encoded cytochrome b; plus strand).
Variant type: single nucleotide variant.
Genome position: chrM-15346-G-A.
Identifiers: ClinVar variation 143883 (VCV000143883.4), dbSNP rs527236180, ClinGen allele CA270611.